The following is an entry in ClinVar:

ClinVar aggregate classification (germline): Uncertain significance. Review status: criteria provided, multiple submitters, no conflicts (2 of 4 stars). 2 submissions from 2 submitters: Uncertain significance (2). Last evaluated 2025-11-05.

Conditions:
DAAM2-related disorder. Also called: DAAM2-related condition.
Inborn genetic diseases. Identifiers: MedGen C0950123, MeSH D030342.

Submissions (2):

PreventionGenetics, part of Exact Sciences
Classification: Uncertain significance for DAAM2-related condition. Last evaluated: 2025-11-05. Review status: criteria provided, single submitter. Criteria: ACMG Guidelines, 2015. Collection method: clinical testing. Allele origin: germline.
Comment: The DAAM2 c.1174G>A variant is predicted to result in the amino acid substitution p.Gly392Ser. To our knowledge, this variant has not been reported in the literature. This variant is reported in 0.013% of alleles in individuals of African descent in gnomAD. At this time, the clinical significance of this variant is uncertain due to the absence of conclusive functional and genetic evidence.

Ambry Genetics
Classification: Uncertain significance for Inborn genetic diseases. Last evaluated: 2024-07-31. Review status: criteria provided, single submitter. Criteria: Ambry Variant Classification Scheme 2023. Collection method: clinical testing. Allele origin: germline.

NM_001201427.2(DAAM2):c.1174G>A (p.Gly392Ser)

Gene: DAAM2 (dishevelled associated activator of morphogenesis 2; plus strand). Cytogenetic location: 6p21.2.
Variant type: single nucleotide variant.
Coding change: c.1174G>A on transcript NM_001201427.2 (MANE Select); coding-DNA position 1174, G replaced by A.
Protein change: p.Gly392Ser; replaces glycine 392 with serine.
Molecular consequence: missense variant.
Genome position (GRCh38, 1-based): chr6:39,875,341, G>A. VCF-style: chr6-39875341-G-A. GRCh37 (hg19) VCF-style: chr6-39843117-G-A.
Other names: c.1174G>A, p.Gly392Ser (NM_015345.4); short protein forms G392S.
Identifiers: ClinVar variation 3499494 (VCV003499494.2).